The following is an entry in ClinVar:

ClinVar aggregate classification (germline): Likely benign (1 of 4 stars; one submission).

Submission:

CeGaT Center for Human Genetics Tuebingen
Classification: Likely benign. Last evaluated: 2024-04-01. Review status: criteria provided, single submitter. Criteria: CeGaT Center For Human Genetics Tuebingen Variant Classification Criteria Version 2. Collection method: clinical testing. Allele origin: germline. Affected: yes. Observed: 1 variant allele.
Comment: NEB: BP4, BP7

NM_001164508.2(NEB):c.14421C>T (p.Ser4807=)

Gene: NEB (nebulin; minus strand). Cytogenetic location: 2q23.3.
Variant type: single nucleotide variant.
Coding change: c.14421C>T on transcript NM_001164508.2 (MANE Select); coding-DNA position 14421, C replaced by T.
Protein change: p.Ser4807=; no amino-acid change (serine 4807 retained).
Molecular consequence: synonymous variant. On other transcripts: intron variant (1).
Genome position (GRCh38, 1-based): chr2:151,594,103, G>A on the plus strand (C>T on the coding strand, the complement: NEB is on the minus strand). VCF-style: chr2-151594103-G-A. GRCh37 (hg19) VCF-style: chr2-152450617-G-A.
Other names: c.14421C>T, p.Ser4807= (NM_001164507.2, NM_001271208.2); c.11601+15706C>T (NM_004543.5).
Identifiers: ClinVar variation 3234377 (VCV003234377.20), dbSNP rs1238530743, ClinGen allele CA429451838.